The following is an entry in ClinVar:

NM_006236.3(POU3F3):c.330T>C (p.Ala110=)

Gene: POU3F3 (POU class 3 homeobox 3; plus strand). Cytogenetic location: 2q12.1.
Variant type: single nucleotide variant.
Coding change: c.330T>C on transcript NM_006236.3 (MANE Select); coding-DNA position 330, T replaced by C.
Protein change: p.Ala110=; no amino-acid change (alanine 110 retained).
Molecular consequence: synonymous variant.
Genome position (GRCh38, 1-based): chr2:104,855,840, T>C. VCF-style: chr2-104855840-T-C. GRCh37 (hg19) VCF-style: chr2-105472298-T-C.
Other names: c.330T>C (NM_006236.2).
Identifiers: ClinVar variation 2651218 (VCV002651218.25), dbSNP rs867028851, ClinGen allele CA1812928.

ClinVar aggregate classification (germline): Likely benign. Review status: criteria provided, single submitter (1 of 4 stars). 2 submissions from 2 submitters: Likely benign (1). 1 of the submissions does not count toward it. Last evaluated 2026-01-01.

Conditions:
POU3F3-related disorder. Also called: POU3F3-related condition.

Allele frequency attached by ClinVar (database versions not stated): gnomAD exomes 0.00075; gnomAD 0.00099; ExAC 0.00168; 1000 Genomes Project 30x 0.00172.
gnomAD v4.1: 839 of 1,074,986 alleles (0.078%); highest among the groups gnomAD compares: East Asian, 0.16%; 1 homozygote.

Submissions (2):

CeGaT Center for Human Genetics Tuebingen
Classification: Likely benign. Last evaluated: 2026-01-01. Review status: criteria provided, single submitter. Criteria: CeGaT Center For Human Genetics Tuebingen Variant Classification Criteria Version 2. Collection method: clinical testing. Allele origin: germline. Affected: yes. Observed: 4 variant alleles.
Comment: POU3F3: BP4, BP7

PreventionGenetics, part of Exact Sciences
Classification: Likely benign for POU3F3-related condition. Last evaluated: 2024-07-13. Review status: no assertion criteria provided. Collection method: clinical testing. Allele origin: germline. Not counted in ClinVar's aggregate classification.
Comment: This variant is classified as likely benign based on ACMG/AMP sequence variant interpretation guidelines (Richards et al. 2015 PMID: 25741868, with internal and published modifications).